The following is an entry in ClinVar:

ClinVar aggregate classification (germline): Uncertain significance (1 of 4 stars; one submission).

Submission:

Labcorp Genetics (formerly Invitae), Labcorp
Classification: Uncertain significance. Last evaluated: 2024-10-30. Review status: criteria provided, single submitter. Criteria: Invitae Variant Classification Sherloc (09022015). Collection method: clinical testing. Allele origin: germline.
Comment: This sequence change creates a premature translational stop signal (p.Leu777Glufs*55) in the EPAS1 gene. While this is not anticipated to result in nonsense mediated decay, it is expected to disrupt the last 94 amino acid(s) of the EPAS1 protein. This variant is not present in population databases (gnomAD no frequency). This variant has not been reported in the literature in individuals affected with EPAS1-related conditions. In summary, the available evidence is currently insufficient to determine the role of this variant in disease. Therefore, it has been classified as a Variant of Uncertain Significance.

NM_001430.5(EPAS1):c.2329_2330del (p.Leu777fs)

Gene: EPAS1 (endothelial PAS domain protein 1; plus strand). Cytogenetic location: 2p21.
Variant type: Deletion.
Coding change: c.2329_2330del on transcript NM_001430.5 (MANE Select); coding-DNA positions 2329 to 2330, 2 bases deleted (CT; older notation c.2329_2330delCT).
Protein change: p.Leu777fs; shifts the reading frame from leucine 777.
Molecular consequence: frameshift variant.
Genome position (GRCh38, 1-based): chr2:46,382,466-46,382,467, CT deleted. VCF-style (leftmost placement, unchanged base first): chr2-46382465-CCT-C. GRCh37 (hg19) VCF-style: chr2-46609604-CCT-C.
Other names: short protein forms L777fs.
Identifiers: ClinVar variation 3709176 (VCV003709176.2).